The following is an entry in ClinVar:

ClinVar aggregate classification (germline): Likely benign (1 of 4 stars; one submission).

Allele frequency attached by ClinVar (database versions not stated): 1000 Genomes Project 0.00200; 1000 Genomes Project 30x 0.00234; gnomAD 0.00730 and 0.00733; TOPMed 0.00734.

Submission:

GeneDx
Classification: Likely benign. Last evaluated: 2018-06-14. Review status: criteria provided, single submitter. Criteria: GeneDx Variant Classification (06012015). Collection method: clinical testing. Allele origin: germline. Affected: yes.
Comment: This variant is considered likely benign or benign based on one or more of the following criteria: it is a conservative change, it occurs at a poorly conserved position in the protein, it is predicted to be benign by multiple in silico algorithms, and/or has population frequency not consistent with disease.

NM_000093.5(COL5A1):c.2431-295_2431-294del

Gene: COL5A1 (collagen type V alpha 1 chain; plus strand). Cytogenetic location: 9q34.3.
Variant type: Deletion.
Coding change: c.2431-295_2431-294del on transcript NM_000093.5 (MANE Select); 295 bases into the intron before coding-DNA position 2431 through 294 bases into the intron before coding-DNA position 2431, 2 bases deleted (AG; older notation c.2431-295_2431-294delAG).
Molecular consequence: intron variant.
Genome position (GRCh38, 1-based): chr9:134,782,372-134,782,373, AG deleted. VCF-style (leftmost placement, unchanged base first): chr9-134782371-CAG-C. GRCh37 (hg19) VCF-style: chr9-137674217-CAG-C.
Other names: c.2431-295_2431-294del (NM_001278074.1).
Identifiers: ClinVar variation 669421 (VCV000669421.1), dbSNP rs552255261, ClinGen allele CA201104249.
Genomic context (GRCh38, chr9:134,782,371, plus strand): 5'-TTCAGTGCTTCAGTGCTGATGGGACGCCACAGAGTGCACTGAGAAATGATACCGGGAGCT[CAG>C]GGGCCTGGGCTTGCTGAGGCCTCGCCATGCAGAACATTCAGATTCAAACTGGGCCTGCCC-3'